The following is an entry in ClinVar:

ClinVar aggregate classification (germline): Uncertain significance (1 of 4 stars; one submission).

Conditions:
Cardiovascular phenotype. Identifiers: MedGen CN230736.

Submission:

Ambry Genetics
Classification: Uncertain significance for Cardiovascular phenotype. Last evaluated: 2025-04-24. Review status: criteria provided, single submitter. Criteria: Ambry Variant Classification Scheme 2023. Collection method: clinical testing. Allele origin: germline.
Comment: The p.E1304G variant (also known as c.3911A>G), located in coding exon 27 of the ABCA1 gene, results from an A to G substitution at nucleotide position 3911. The glutamic acid at codon 1304 is replaced by glycine, an amino acid with similar properties. This amino acid position is conserved. In addition, this alteration is predicted to be deleterious by in silico analysis. Based on the available evidence, the clinical significance of this variant remains unclear.

NM_005502.4(ABCA1):c.3911A>G (p.Glu1304Gly)

Gene: ABCA1 (ATP binding cassette subfamily A member 1; minus strand). Cytogenetic location: 9q31.1.
Variant type: single nucleotide variant.
Coding change: c.3911A>G on transcript NM_005502.4 (MANE Select); coding-DNA position 3911, A replaced by G.
Protein change: p.Glu1304Gly; replaces glutamic acid 1304 with glycine.
Molecular consequence: missense variant.
Genome position (GRCh38, 1-based): chr9:104,812,713, T>C on the plus strand (A>G on the coding strand, the complement: ABCA1 is on the minus strand). VCF-style: chr9-104812713-T-C. GRCh37 (hg19) VCF-style: chr9-107574994-T-C.
Other names: short protein forms E1304G.
Identifiers: ClinVar variation 3935574 (VCV003935574.1).